The following is an entry in ClinVar:

ClinVar aggregate classification (germline): Uncertain significance (1 of 4 stars; one submission).

Submission:

Ambry Genetics
Classification: Uncertain significance. Last evaluated: 2025-04-04. Review status: criteria provided, single submitter. Criteria: Ambry Variant Classification Scheme 2023. Collection method: clinical testing. Allele origin: germline.
Comment: The p.E1234Q variant (also known as c.3700G>C), located in coding exon 6 of the MLH3 gene, results from a G to C substitution at nucleotide position 3700. The glutamic acid at codon 1234 is replaced by glutamine, an amino acid with highly similar properties. This amino acid position is conserved. In addition, this alteration is predicted to be deleterious by in silico analysis. Based on the available evidence, the clinical significance of this variant remains unclear.

NM_001040108.2(MLH3):c.3700G>C (p.Glu1234Gln)

Gene: MLH3 (mutL homolog 3; minus strand). Cytogenetic location: 14q24.3.
Variant type: single nucleotide variant.
Coding change: c.3700G>C on transcript NM_001040108.2 (MANE Select); coding-DNA position 3700, G replaced by C.
Protein change: p.Glu1234Gln; replaces glutamic acid 1234 with glutamine.
Molecular consequence: missense variant. On other transcripts: intron variant (1).
Genome position (GRCh38, 1-based): chr14:75,033,434, C>G on the plus strand (G>C on the coding strand, the complement: MLH3 is on the minus strand). VCF-style: chr14-75033434-C-G. GRCh37 (hg19) VCF-style: chr14-75500137-C-G.
Other names: c.3644-1255G>C (NM_014381.3); short protein forms E1234Q.
Identifiers: ClinVar variation 4055472 (VCV004055472.1).